The following is an entry in ClinVar:

NM_001282933.2(ZNF341):c.2533G>A (p.Ala845Thr)

Genes: ZNF341 (zinc finger protein 341; plus strand), ZNF341-AS1 (ZNF341 antisense RNA 1; minus strand). Cytogenetic location: 20q11.22.
Variant type: single nucleotide variant.
Coding change: c.2533G>A on transcript NM_001282933.2 (MANE Select); coding-DNA position 2533, G replaced by A.
Protein change: p.Ala845Thr; replaces alanine 845 with threonine.
Molecular consequence: missense variant. On other transcripts: non-coding transcript variant (1).
Genome position (GRCh38, 1-based): chr20:33,791,485, G>A. VCF-style: chr20-33791485-G-A. GRCh37 (hg19) VCF-style: chr20-32379291-G-A.
Other names: c.2263G>A, p.Ala755Thr (NM_001282935.2); c.2512G>A, p.Ala838Thr (NM_032819.5); short protein forms A838T, A755T, A845T.
Identifiers: ClinVar variation 2050661 (VCV002050661.1), dbSNP rs777834913, ClinGen allele CA9819832.

ClinVar aggregate classification (germline): Uncertain significance (1 of 4 stars; one submission).

Allele frequency attached by ClinVar (database versions not stated): ExAC 0.00002; gnomAD exomes 0.00002; gnomAD 0.00006; TOPMed 0.00007.
gnomAD v4.1: 40 of 1,583,812 alleles (0.0025%); highest among the groups gnomAD compares: African/African-American, 0.004%; no homozygotes.

Submission:

Labcorp Genetics (formerly Invitae), Labcorp
Classification: Uncertain significance. Last evaluated: 2022-06-28. Review status: criteria provided, single submitter. Criteria: Invitae Variant Classification Sherloc (09022015). Collection method: clinical testing. Allele origin: germline.
Comment: This sequence change replaces alanine, which is neutral and non-polar, with threonine, which is neutral and polar, at codon 838 of the ZNF341 protein (p.Ala838Thr). The frequency data for this variant in the population databases is considered unreliable, as metrics indicate poor data quality at this position in the gnomAD database. This variant has not been reported in the literature in individuals affected with ZNF341-related conditions. Algorithms developed to predict the effect of missense changes on protein structure and function are either unavailable or do not agree on the potential impact of this missense change (SIFT: "Tolerated"; PolyPhen-2: "Probably Damaging"; Align-GVGD: "Class C0"). In summary, the available evidence is currently insufficient to determine the role of this variant in disease. Therefore, it has been classified as a Variant of Uncertain Significance.